The following is an entry in ClinVar:

NM_020297.4(ABCC9):c.2948G>C (p.Trp983Ser)

Gene: ABCC9 (ATP binding cassette subfamily C member 9; minus strand). Cytogenetic location: 12p12.1.
Variant type: single nucleotide variant.
Coding change: c.2948G>C on transcript NM_020297.4 (MANE Select); coding-DNA position 2948, G replaced by C.
Protein change: p.Trp983Ser; replaces tryptophan 983 with serine.
Molecular consequence: missense variant.
Genome position (GRCh38, 1-based): chr12:21,845,751, C>G on the plus strand (G>C on the coding strand, the complement: ABCC9 is on the minus strand). VCF-style: chr12-21845751-C-G. GRCh37 (hg19) VCF-style: chr12-21998685-C-G.
Other names: c.2948G>C, p.Trp983Ser (NM_001377273.1, NM_005691.4); c.2081G>C, p.Trp694Ser (NM_001377274.1); c.2948G>C (NM_005691.2); short protein forms W694S, W983S.
Identifiers: ClinVar variation 1039390 (VCV001039390.9), dbSNP rs1944628696, ClinGen allele CA384120308.

ClinVar aggregate classification (germline): Uncertain significance. Review status: criteria provided, multiple submitters, no conflicts (2 of 4 stars). 2 submissions from 2 submitters: Uncertain significance (2). Last evaluated 2026-02-16.

Conditions:
Cardiovascular phenotype. Identifiers: MedGen CN230736.
Dilated cardiomyopathy 1O (CMD1O). Also called: CARDIOMYOPATHY, DILATED, WITH VENTRICULAR TACHYCARDIA. Identifiers: Orphanet 154, MedGen C1837839, MONDO:0012062, OMIM 608569.

Submissions (2):

Ambry Genetics
Classification: Uncertain significance for Cardiovascular phenotype. Last evaluated: 2026-02-16. Review status: criteria provided, single submitter. Criteria: Ambry Variant Classification Scheme 2023. Collection method: clinical testing. Allele origin: germline.
Comment: The p.W983S variant (also known as c.2948G>C), located in coding exon 24 of the ABCC9 gene, results from a G to C substitution at nucleotide position 2948. The tryptophan at codon 983 is replaced by serine, an amino acid with highly dissimilar properties. This amino acid position is well conserved in available vertebrate species. In addition, this alteration is predicted to be deleterious by in silico analysis. Based on the available evidence, the clinical significance of this variant remains unclear.

Labcorp Genetics (formerly Invitae), Labcorp
Classification: Uncertain significance for Dilated cardiomyopathy 1O. Last evaluated: 2024-05-09. Review status: criteria provided, single submitter. Criteria: Invitae Variant Classification Sherloc (09022015). Collection method: clinical testing. Allele origin: germline.
Comment: This sequence change replaces tryptophan, which is neutral and slightly polar, with serine, which is neutral and polar, at codon 983 of the ABCC9 protein (p.Trp983Ser). This variant is not present in population databases (gnomAD no frequency). This variant has not been reported in the literature in individuals affected with ABCC9-related conditions. ClinVar contains an entry for this variant (Variation ID: 1039390). Advanced modeling of protein sequence and biophysical properties (such as structural, functional, and spatial information, amino acid conservation, physicochemical variation, residue mobility, and thermodynamic stability) performed at Invitae indicates that this missense variant is not expected to disrupt ABCC9 protein function with a negative predictive value of 95%. In summary, the available evidence is currently insufficient to determine the role of this variant in disease. Therefore, it has been classified as a Variant of Uncertain Significance.